The following is an entry in ClinVar:

ClinVar aggregate classification (germline): Uncertain significance (1 of 4 stars; one submission).

Allele frequency attached by ClinVar (database versions not stated): TOPMed below 0.00001.

Submission:

Labcorp Genetics (formerly Invitae), Labcorp
Classification: Uncertain significance. Last evaluated: 2022-03-19. Review status: criteria provided, single submitter. Criteria: Invitae Variant Classification Sherloc (09022015). Collection method: clinical testing. Allele origin: germline.
Comment: Advanced modeling of protein sequence and biophysical properties (such as structural, functional, and spatial information, amino acid conservation, physicochemical variation, residue mobility, and thermodynamic stability) performed at Invitae indicates that this missense variant is not expected to disrupt COL11A1 protein function. In summary, the available evidence is currently insufficient to determine the role of this variant in disease. Therefore, it has been classified as a Variant of Uncertain Significance. This sequence change replaces proline, which is neutral and non-polar, with alanine, which is neutral and non-polar, at codon 786 of the COL11A1 protein (p.Pro786Ala). This variant is not present in population databases (gnomAD no frequency). This variant has not been reported in the literature in individuals affected with COL11A1-related conditions.

NM_001854.4(COL11A1):c.2356C>G (p.Pro786Ala)

Gene: COL11A1 (collagen type XI alpha 1 chain; minus strand). Cytogenetic location: 1p21.1.
Variant type: single nucleotide variant.
Coding change: c.2356C>G on transcript NM_001854.4 (MANE Select); coding-DNA position 2356, C replaced by G.
Protein change: p.Pro786Ala; replaces proline 786 with alanine.
Molecular consequence: missense variant. On other transcripts: non-coding transcript variant (1).
Genome position (GRCh38, 1-based): chr1:102,989,556, G>C on the plus strand (C>G on the coding strand, the complement: COL11A1 is on the minus strand). VCF-style: chr1-102989556-G-C. GRCh37 (hg19) VCF-style: chr1-103455112-G-C.
Other names: c.2008C>G, p.Pro670Ala (NM_001168249.1, NM_080630.4); c.2239C>G, p.Pro747Ala (NM_001190709.2); c.2392C>G, p.Pro798Ala (NM_080629.3); short protein forms P670A, P747A, P786A, P798A.
Identifiers: ClinVar variation 2114098 (VCV002114098.4), dbSNP rs1663918287, ClinGen allele CA341167134.